The following is an entry in ClinVar:

NM_004360.5(CDH1):c.1757C>A (p.Ser586Tyr)

Gene: CDH1 (cadherin 1; plus strand). Cytogenetic location: 16q22.1.
Variant type: single nucleotide variant.
Coding change: c.1757C>A on transcript NM_004360.5 (MANE Select); coding-DNA position 1757, C replaced by A.
Protein change: p.Ser586Tyr; replaces serine 586 with tyrosine.
Molecular consequence: missense variant. On other transcripts: 5 prime UTR variant (1).
Genome position (GRCh38, 1-based): chr16:68,822,046, C>A. VCF-style: chr16-68822046-C-A. GRCh37 (hg19) VCF-style: chr16-68855949-C-A.
Other names: c.1574C>A, p.Ser525Tyr (NM_001317184.2); c.209C>A, p.Ser70Tyr (NM_001317185.2); c.-209C>A (NM_001317186.2); short protein forms S525Y, S586Y, S70Y.
Identifiers: ClinVar variation 954034 (VCV000954034.11), dbSNP rs864622599, ClinGen allele CA396466470.
Genomic context (GRCh38, chr16:68,822,046, plus strand): 5'-TGTATTTTCTCTTAGGTTCTCCAGTTGCTACTGGAACAGGGACACTTCTGCTGATCCTGT[C>A]TGATGTGAATGACAACGCCCCCATACCAGAACCTCGAACTATATTCTTCTGTGAGAGGAA-3'
Protein context (NP_004351.1, residues 576-596): TGTGTLLLIL[Ser586Tyr]DVNDNAPIPE

ClinVar aggregate classification (germline): Uncertain significance. Review status: criteria provided, multiple submitters, no conflicts (2 of 4 stars). 2 submissions from 2 submitters: Uncertain significance (2). Last evaluated 2025-12-10.

Conditions:
Hereditary diffuse gastric adenocarcinoma (HDGC). Also called: DIFFUSE GASTRIC AND LOBULAR BREAST CANCER SYNDROME. Identifiers: Orphanet 26106, MedGen C1708349, MONDO:0007648, OMIM 137215.
Hereditary cancer-predisposing syndrome. Also called: Hereditary neoplastic syndrome; Tumor predisposition; Neoplastic Syndromes, Hereditary; Hereditary Cancer Syndrome. Identifiers: Orphanet 140162, MedGen C0027672, MeSH D009386, MONDO:0015356.

Submissions (2):

Labcorp Genetics (formerly Invitae), Labcorp
Classification: Uncertain significance for Hereditary diffuse gastric adenocarcinoma. Last evaluated: 2025-12-10. Review status: criteria provided, single submitter. Criteria: Invitae Variant Classification Sherloc (09022015). Collection method: clinical testing. Allele origin: germline.
Comment: This sequence change replaces serine, which is neutral and polar, with tyrosine, which is neutral and polar, at codon 586 of the CDH1 protein (p.Ser586Tyr). This variant is not present in population databases (gnomAD no frequency). This variant has not been reported in the literature in individuals affected with CDH1-related conditions. ClinVar contains an entry for this variant (Variation ID: 954034). An algorithm developed to predict the effect of missense changes on protein structure and function (PolyPhen-2) suggests that this variant is likely to be tolerated. In summary, the available evidence is currently insufficient to determine the role of this variant in disease. Therefore, it has been classified as a Variant of Uncertain Significance.

Ambry Genetics
Classification: Uncertain significance for Hereditary cancer-predisposing syndrome. Last evaluated: 2023-10-19. Review status: criteria provided, single submitter. Criteria: Ambry Variant Classification Scheme 2023. Collection method: clinical testing. Allele origin: germline.
Comment: The p.S586Y variant (also known as c.1757C>A), located in coding exon 12 of the CDH1 gene, results from a C to A substitution at nucleotide position 1757. The serine at codon 586 is replaced by tyrosine, an amino acid with dissimilar properties. This amino acid position is conserved. In addition, this alteration is predicted to be tolerated by in silico analysis. Since supporting evidence is limited at this time, the clinical significance of this alteration remains unclear.